The following is an entry in ClinVar:

ClinVar aggregate classification (germline): Conflicting classifications of pathogenicity. Review status: criteria provided, conflicting classifications (1 of 4 stars). 2 submissions from 2 submitters: Uncertain significance (1); Likely benign (1). Last evaluated 2024-09-23.

Conditions:
RYR1-related disorder. Also called: RYR1-related condition; RYR1-related disorders. Identifiers: MedGen CN239331.
Malignant hyperthermia, susceptibility to, 1 (MHS1). Also called: RYR1-Related Malignant Hyperthermia Susceptibility; Malignant hyperthermia suceptibility 1; Anesthesia related hyperthermia; Malignant hyperpyrexia; Fulminating hyperpyrexia; Pharmacogenic myopathy. Identifiers: Orphanet 423, MedGen C2930980, MONDO:0007783, OMIM 145600.

Allele frequency attached by ClinVar (database versions not stated): gnomAD 0.00001; ExAC 0.00001; TOPMed 0.00001; gnomAD exomes 0.00004.
gnomAD v4.1: 48 of 1,446,966 alleles (0.0033%); highest among the groups gnomAD compares: Admixed American, 0.0056%; 1 homozygote.

Submissions (2):

All of Us Research Program, National Institutes of Health
Classification: Uncertain significance for Malignant hyperthermia, susceptibility to, 1. Last evaluated: 2024-09-23. Review status: criteria provided, single submitter. Criteria: ACMG Guidelines, 2015. Collection method: clinical testing. Allele origin: germline. Inheritance: Autosomal dominant inheritance. Observed: 9 variant alleles, 9 heterozygotes.
Comment: This missense variant replaces serine with leucine at codon 2609 of the RYR1 protein. Computational prediction suggests that this variant may not impact protein structure and function (internally defined REVEL score threshold <= 0.5, PMID: 27666373). To our knowledge, functional studies have not been reported for this variant. This variant has not been reported in individuals affected with RYR1-related disorders in the literature. This variant has been identified in 9/242536 chromosomes in the general population by the Genome Aggregation Database (gnomAD). The available evidence is insufficient to determine the role of this variant in disease conclusively. Therefore, this variant is classified as a Variant of Uncertain Significance.

This study involves interpretation of variants in research participants for the purpose of population health screening. Participant phenotype was not available at the time of variant classification. Additional details can be found in publication PMID: 35346344, PMCID: PMC8962531

Labcorp Genetics (formerly Invitae), Labcorp
Classification: Likely benign for RYR1-related disorder. Last evaluated: 2024-03-05. Review status: criteria provided, single submitter. Criteria: Invitae Variant Classification Sherloc (09022015). Collection method: clinical testing. Allele origin: germline.

NM_000540.3(RYR1):c.7826C>T (p.Ser2609Leu)

Gene: RYR1 (ryanodine receptor 1; plus strand). Cytogenetic location: 19q13.2.
Variant type: single nucleotide variant.
Coding change: c.7826C>T on transcript NM_000540.3 (MANE Select); coding-DNA position 7826, C replaced by T.
Protein change: p.Ser2609Leu; replaces serine 2609 with leucine.
Molecular consequence: missense variant.
Genome position (GRCh38, 1-based): chr19:38,502,718, C>T. VCF-style: chr19-38502718-C-T. GRCh37 (hg19) VCF-style: chr19-38993358-C-T.
Other names: c.7826C>T, p.Ser2609Leu (NM_001042723.2); short protein forms S2609L.
Identifiers: ClinVar variation 640616 (VCV000640616.12), dbSNP rs747045754, ClinGen allele CA070356.
Genomic context (GRCh38, chr19:38,502,718, plus strand): 5'-TGTCTCGGGGTCGTTCGCTCACCAAGGCGCAGCGTGACGTCATCGAGGACTGCCTCATGT[C>T]GCTCTGCAGGTGGAGCGGGGCAGGCTTCAGGGTGGGGCAGGGGCAGGGGCAGGGGCAGGG-3'
Protein context (NP_000531.2, residues 2599-2619): QRDVIEDCLM[Ser2609Leu]LCRYIRPSML